The following is an entry in ClinVar:

ClinVar aggregate classification (germline): Likely benign (1 of 4 stars; one submission).

Conditions:
SIM1-related disorder. Also called: SIM1-related disorders; SIM1-related condition.

gnomAD v4.1: 1 of 1,613,202 alleles (0.000062%); highest among the groups gnomAD compares: African/African-American, 0.0013%; no homozygotes.

Submission:

PreventionGenetics, part of Exact Sciences
Classification: Likely benign for SIM1-related condition. Last evaluated: 2024-10-28. Review status: criteria provided, single submitter. Criteria: ACMG Guidelines, 2015. Collection method: clinical testing. Allele origin: germline.
Comment: This variant is classified as likely benign based on ACMG/AMP sequence variant interpretation guidelines (Richards et al. 2015 PMID: 25741868, with internal and published modifications).

NM_005068.3(SIM1):c.1485C>G (p.Ala495=)

Genes: SIM1 (SIM bHLH transcription factor 1; minus strand), SIM1-AS1 (SIM1 antisense RNA 1; plus strand). Cytogenetic location: 6q16.3.
Variant type: single nucleotide variant.
Coding change: c.1485C>G on transcript NM_005068.3 (MANE Select); coding-DNA position 1485, C replaced by G.
Protein change: p.Ala495=; no amino-acid change (alanine 495 retained).
Molecular consequence: synonymous variant. On other transcripts: non-coding transcript variant (1).
Genome position (GRCh38, 1-based): chr6:100,393,572, G>C on the plus strand (C>G on the coding strand, the complement: SIM1 is on the minus strand). VCF-style: chr6-100393572-G-C. GRCh37 (hg19) VCF-style: chr6-100841448-G-C.
Other names: c.1485C>G, p.Ala495= (NM_001374769.1).
Identifiers: ClinVar variation 4984608 (VCV004984608.1).